The following is an entry in ClinVar:

NM_002485.5(NBN):c.1248G>A (p.Met416Ile)

Gene: NBN (nibrin; minus strand). Cytogenetic location: 8q21.3.
Variant type: single nucleotide variant.
Coding change: c.1248G>A on transcript NM_002485.5 (MANE Select); coding-DNA position 1248, G replaced by A.
Protein change: p.Met416Ile; replaces methionine 416 with isoleucine.
Molecular consequence: missense variant.
Genome position (GRCh38, 1-based): chr8:89,955,432, C>T on the plus strand (G>A on the coding strand, the complement: NBN is on the minus strand). VCF-style: chr8-89955432-C-T. GRCh37 (hg19) VCF-style: chr8-90967660-C-T.
Other names: c.1002G>A, p.Met334Ile (NM_001024688.3); short protein forms M416I, M334I.
Identifiers: ClinVar variation 818703 (VCV000818703.11), dbSNP rs756572268, ClinGen allele CA371656272.

ClinVar aggregate classification (germline): Conflicting classifications of pathogenicity. Review status: criteria provided, conflicting classifications (1 of 4 stars). 3 submissions from 3 submitters: Uncertain significance (2); Likely benign (1). Last evaluated 2022-08-09.

Conditions:
Hereditary cancer-predisposing syndrome. Also called: Hereditary Cancer Syndrome; Neoplastic Syndromes, Hereditary; Hereditary neoplastic syndrome; Tumor predisposition. Identifiers: Orphanet 140162, MedGen C0027672, MeSH D009386, MONDO:0015356.
Microcephaly, normal intelligence and immunodeficiency (NBS). Also called: Nijmegen breakage syndrome; Microcephaly with normal intelligence immunodeficiency and lymphoreticular malignancies; Nonsyndromal microcephaly autosomal recessive with normal intelligence; Seemanova syndrome 2; Immunodeficiency, microcephaly with normal intelligence; Ataxia telangiectasia variant V1. Identifiers: Orphanet 647, MedGen C0398791, MONDO:0009623, OMIM 251260.

Submissions (3):

Labcorp Genetics (formerly Invitae), Labcorp
Classification: Uncertain significance for Microcephaly, normal intelligence and immunodeficiency. Last evaluated: 2022-08-09. Review status: criteria provided, single submitter. Criteria: Invitae Variant Classification Sherloc (09022015). Collection method: clinical testing. Allele origin: germline.
Comment: In summary, the available evidence is currently insufficient to determine the role of this variant in disease. Therefore, it has been classified as a Variant of Uncertain Significance. This sequence change replaces methionine, which is neutral and non-polar, with isoleucine, which is neutral and non-polar, at codon 416 of the NBN protein (p.Met416Ile). This variant is not present in population databases (gnomAD no frequency). This variant has not been reported in the literature in individuals affected with NBN-related conditions. ClinVar contains an entry for this variant (Variation ID: 818703). Algorithms developed to predict the effect of missense changes on protein structure and function output the following: SIFT: "Tolerated"; PolyPhen-2: "Benign"; Align-GVGD: "Class C0". The isoleucine amino acid residue is found in multiple mammalian species, which suggests that this missense change does not adversely affect protein function.

Sema4
Classification: Uncertain significance for Hereditary cancer-predisposing syndrome. Last evaluated: 2021-07-03. Review status: criteria provided, single submitter. Criteria: Sema4 Curation Guidelines. Collection method: curation. Allele origin: germline.
Comment: The NBN c.1248G>A (p.M416I) variant has not been reported in the literature to our knowledge. It was not observed in the large and broad cohorts of the Genome Aggregation Database (PMID: 32461654). The variant has been reported in ClinVar (Variation ID: 818703). In silico tools suggest the impact of the variant on protein function is benign, though these predictions have not been confirmed by functional studies. The evidence is insufficient to meet ACMG/AMP criteria for classifying the variant as benign or pathogenic. Thus, the clinical significance of this variant is currently uncertain.

Ambry Genetics
Classification: Likely benign for Hereditary cancer-predisposing syndrome. Last evaluated: 2019-09-24. Review status: criteria provided, single submitter. Criteria: Ambry Variant Classification Scheme 2023. Collection method: clinical testing. Allele origin: germline.